The following is an entry in ClinVar:

NM_005732.4(RAD50):c.286G>T (p.Val96Leu)

Gene: RAD50 (RAD50 double strand break repair protein; plus strand). Cytogenetic location: 5q31.1.
Variant type: single nucleotide variant.
Coding change: c.286G>T on transcript NM_005732.4 (MANE Select); coding-DNA position 286, G replaced by T.
Protein change: p.Val96Leu; replaces valine 96 with leucine.
Molecular consequence: missense variant.
Genome position (GRCh38, 1-based): chr5:132,575,849, G>T. VCF-style: chr5-132575849-G-T. GRCh37 (hg19) VCF-style: chr5-131911541-G-T.
Other names: short protein forms V96L.
Identifiers: ClinVar variation 655478 (VCV000655478.12), dbSNP rs1554097575, ClinGen allele CA360930871.

ClinVar aggregate classification (germline): Uncertain significance. Review status: criteria provided, multiple submitters, no conflicts (2 of 4 stars). 2 submissions from 2 submitters: Uncertain significance (2). Last evaluated 2024-08-30.

Conditions:
Hereditary cancer-predisposing syndrome. Also called: Hereditary neoplastic syndrome; Tumor predisposition; Neoplastic Syndromes, Hereditary; Hereditary Cancer Syndrome. Identifiers: Orphanet 140162, MedGen C0027672, MeSH D009386, MONDO:0015356.

Allele frequency attached by ClinVar (database versions not stated): gnomAD exomes below 0.00001.
gnomAD v4.1: 1 of 1,604,872 alleles (0.000062%); highest among the groups gnomAD compares: Non-Finnish European, 0.000085%; no homozygotes.

Submissions (2):

Ambry Genetics
Classification: Uncertain significance for Hereditary cancer-predisposing syndrome. Last evaluated: 2024-08-30. Review status: criteria provided, single submitter. Criteria: Ambry Variant Classification Scheme 2023. Collection method: clinical testing. Allele origin: germline.
Comment: The p.V96L variant (also known as c.286G>T), located in coding exon 3 of the RAD50 gene, results from a G to T substitution at nucleotide position 286. The valine at codon 96 is replaced by leucine, an amino acid with highly similar properties. This amino acid position is highly conserved through mammals but not in all available vertebrate species. In addition, this alteration is predicted to be tolerated by in silico analysis. Since supporting evidence is limited at this time, the clinical significance of this alteration remains unclear.

Labcorp Genetics (formerly Invitae), Labcorp
Classification: Uncertain significance for Hereditary cancer-predisposing syndrome. Last evaluated: 2024-04-08. Review status: criteria provided, single submitter. Criteria: Invitae Variant Classification Sherloc (09022015). Collection method: clinical testing. Allele origin: germline.
Comment: This sequence change replaces valine, which is neutral and non-polar, with leucine, which is neutral and non-polar, at codon 96 of the RAD50 protein (p.Val96Leu). This variant is not present in population databases (gnomAD no frequency). This variant has not been reported in the literature in individuals affected with RAD50-related conditions. ClinVar contains an entry for this variant (Variation ID: 655478). Advanced modeling of protein sequence and biophysical properties (such as structural, functional, and spatial information, amino acid conservation, physicochemical variation, residue mobility, and thermodynamic stability) performed at Invitae indicates that this missense variant is not expected to disrupt RAD50 protein function with a negative predictive value of 80%. In summary, the available evidence is currently insufficient to determine the role of this variant in disease. Therefore, it has been classified as a Variant of Uncertain Significance.